The following is an entry in ClinVar:

NM_001042492.3(NF1):c.3691_3698dup (p.Cys1233fs)

Gene: NF1 (neurofibromin 1; plus strand). Cytogenetic location: 17q11.2.
Variant type: Duplication.
Coding change: c.3691_3698dup on transcript NM_001042492.3 (MANE Select); coding-DNA positions 3691 to 3698, 8 bases duplicated (GTTCCTTG; older notation c.3691_3698dupGTTCCTTG).
Protein change: p.Cys1233fs; shifts the reading frame from cysteine 1233.
Molecular consequence: frameshift variant.
Genome position (GRCh38, 1-based): chr17:31,233,196-31,233,203, GTTCCTTG duplicated; duplicating any 8 consecutive bases within chr17:31,233,194-31,233,203 gives the same sequence; the c. name uses the placement nearest the transcript's 3' end. VCF-style (leftmost placement, unchanged base first): chr17-31233193-G-GTGGTTCCT. GRCh37 (hg19) VCF-style: chr17-29560211-G-GTGGTTCCT.
Other names: c.3691_3698dup, p.Cys1233fs (NM_000267.4); short protein forms C1233fs.
Identifiers: ClinVar variation 4727808 (VCV004727808.1).

ClinVar aggregate classification (germline): Pathogenic (1 of 4 stars; one submission).

Conditions:
Neurofibromatosis, type 1 (NF1). Also called: NEUROFIBROMATOSIS, TYPE I, SOMATIC; VON RECKLINGHAUSEN DISEASE; Peripheral type neurofibromatosis; Neurofibromatosis, type I. Identifiers: Orphanet 636, MedGen C0027831, MONDO:0018975, OMIM 162200. Disease mechanism: loss of function.

Submission:

Labcorp Genetics (formerly Invitae), Labcorp
Classification: Pathogenic for Neurofibromatosis, type 1. Last evaluated: 2025-11-05. Review status: criteria provided, single submitter. Criteria: Invitae Variant Classification Sherloc (09022015). Collection method: clinical testing. Allele origin: germline.
Comment: This sequence change creates a premature translational stop signal (p.Cys1233Trpfs*10) in the NF1 gene. It is expected to result in an absent or disrupted protein product. Loss-of-function variants in NF1 are known to be pathogenic (PMID: 10712197, 23913538). This variant is not present in population databases (gnomAD no frequency). This variant has not been reported in the literature in individuals affected with NF1-related conditions. For these reasons, this variant has been classified as Pathogenic.

Literature cited by the submitters: PubMed 10712197; PubMed 23913538.